The following is an entry in ClinVar:

NM_014956.5(CEP164):c.1598C>T (p.Pro533Leu)

Gene: CEP164 (centrosomal protein 164; plus strand). Cytogenetic location: 11q23.3.
Variant type: single nucleotide variant.
Coding change: c.1598C>T on transcript NM_014956.5 (MANE Select); coding-DNA position 1598, C replaced by T.
Protein change: p.Pro533Leu; replaces proline 533 with leucine.
Molecular consequence: missense variant.
Genome position (GRCh38, 1-based): chr11:117,382,816, C>T. VCF-style: chr11-117382816-C-T. GRCh37 (hg19) VCF-style: chr11-117253532-C-T.
Other names: c.1607C>T, p.Pro536Leu (NM_001271933.2); c.1598C>T (NM_014956.4); short protein forms P536L, P533L.
Identifiers: ClinVar variation 1047247 (VCV001047247.7), dbSNP rs761621131, ClinGen allele CA6294802.
Genomic context (GRCh38, chr11:117,382,816, plus strand): 5'-TTACTGGCTTTAACACAGTTGTTTCCTTACTGCTATCAAGGGAGCAGGCCCCAAGCCCAC[C>T]TGCTGCCTGTGAGAAGGGCAAGGAGCAGCATTCCCAGGCCGAGGAGCTGGGCCCTGGGCA-3'
Protein context (NP_055771.4, residues 523-543): SLQREQAPSP[Pro533Leu]AACEKGKEQH

ClinVar aggregate classification (germline): Uncertain significance. Review status: criteria provided, multiple submitters, no conflicts (2 of 4 stars). 4 submissions from 4 submitters: Uncertain significance (3). 1 of the submissions does not count toward it. Last evaluated 2025-01-18.

Conditions:
Nephronophthisis 15 (NPHP15). Identifiers: Orphanet 3156, MedGen C3541853, MONDO:0013917, OMIM 614845.
Inborn genetic diseases. Identifiers: MedGen C0950123, MeSH D030342.
Retinal dystrophy. Also called: Inherited retinal dystrophy. Identifiers: Orphanet 71862, MedGen C0854723, MeSH D058499, MONDO:0019118, HP:0000556.

Allele frequency attached by ClinVar (database versions not stated): gnomAD exomes 0.00001; TOPMed 0.00001; gnomAD 0.00003; ExAC 0.00001.
gnomAD v4.1: 17 of 1,613,994 alleles (0.0011%); highest among the groups gnomAD compares: Non-Finnish European, 0.0014%; no homozygotes.

Submissions (4):

Ambry Genetics
Classification: Uncertain significance for Inborn genetic diseases. Last evaluated: 2025-01-18. Review status: criteria provided, single submitter. Criteria: Ambry Variant Classification Scheme 2023. Collection method: clinical testing. Allele origin: germline.

Fulgent Genetics
Classification: Uncertain significance for Nephronophthisis 15. Last evaluated: 2024-04-23. Review status: criteria provided, single submitter. Criteria: ACMG Guidelines, 2015. Collection method: clinical testing. Allele origin: germline.

Labcorp Genetics (formerly Invitae), Labcorp
Classification: Uncertain significance for Nephronophthisis 15. Last evaluated: 2022-06-20. Review status: criteria provided, single submitter. Criteria: Invitae Variant Classification Sherloc (09022015). Collection method: clinical testing. Allele origin: germline.
Comment: In summary, the available evidence is currently insufficient to determine the role of this variant in disease. Therefore, it has been classified as a Variant of Uncertain Significance. Algorithms developed to predict the effect of missense changes on protein structure and function output the following: SIFT: "Deleterious"; PolyPhen-2: "Possibly Damaging"; Align-GVGD: "Class C0". The leucine amino acid residue is found in multiple mammalian species, which suggests that this missense change does not adversely affect protein function. ClinVar contains an entry for this variant (Variation ID: 1047247). This variant has not been reported in the literature in individuals affected with CEP164-related conditions. This variant is present in population databases (rs761621131, gnomAD 0.003%). This sequence change replaces proline, which is neutral and non-polar, with leucine, which is neutral and non-polar, at codon 533 of the CEP164 protein (p.Pro533Leu).

Institute of Human Genetics, Univ. Regensburg, Univ. Regensburg
Classification: Uncertain significance for Retinal dystrophy. Last evaluated: 2022-01-01. Review status: no assertion criteria provided. Criteria: ACMG Guidelines, 2015. Collection method: clinical testing. Allele origin: germline. Affected: yes. Not counted in ClinVar's aggregate classification.